The following is an entry in ClinVar:

NM_000540.3(RYR1):c.5473C>A (p.His1825Asn)

Gene: RYR1 (ryanodine receptor 1; plus strand). Cytogenetic location: 19q13.2.
Variant type: single nucleotide variant.
Coding change: c.5473C>A on transcript NM_000540.3 (MANE Select); coding-DNA position 5473, C replaced by A.
Protein change: p.His1825Asn; replaces histidine 1825 with asparagine.
Molecular consequence: missense variant.
Genome position (GRCh38, 1-based): chr19:38,486,128, C>A. VCF-style: chr19-38486128-C-A. GRCh37 (hg19) VCF-style: chr19-38976768-C-A.
Other names: c.5473C>A, p.His1825Asn (NM_001042723.2); short protein forms H1825N.
Identifiers: ClinVar variation 3071924 (VCV003071924.1), dbSNP rs375106396, ClinGen allele CA308093893.

ClinVar aggregate classification (germline): Uncertain significance (1 of 4 stars; one submission).

Conditions:
Malignant hyperthermia, susceptibility to, 1 (MHS1). Also called: Anesthesia related hyperthermia; Malignant hyperpyrexia; Fulminating hyperpyrexia; Pharmacogenic myopathy; RYR1-Related Malignant Hyperthermia Susceptibility; Malignant hyperthermia suceptibility 1. Identifiers: Orphanet 423, MedGen C2930980, MONDO:0007783, OMIM 145600.

Allele frequency attached by ClinVar (database versions not stated): TOPMed below 0.00001; gnomAD 0.00001; ESP Exome Variant Server 0.00008.
gnomAD v4.1: 1 of 1,613,030 alleles (0.000062%); highest among the groups gnomAD compares: African/African-American, 0.0013%; no homozygotes.

Submission:

All of Us Research Program, National Institutes of Health
Classification: Uncertain significance for Malignant hyperthermia, susceptibility to, 1. Last evaluated: 2023-06-26. Review status: criteria provided, single submitter. Criteria: ACMG Guidelines, 2015. Collection method: clinical testing. Allele origin: germline. Inheritance: Autosomal dominant inheritance. Observed: 1 variant allele, 1 heterozygote.
Comment: This missense variant replaces histidine with asparagine at codon 1825 of the RYR1 protein. Computational prediction suggests that this variant may not impact protein structure and function (internally defined REVEL score threshold <= 0.5, PMID: 27666373). To our knowledge, functional studies have not been reported for this variant. This variant has not been reported in individuals affected with RYR1-related disorders in the literature. This variant has not been identified in the general population by the Genome Aggregation Database (gnomAD). The available evidence is insufficient to determine the role of this variant in disease conclusively. Therefore, this variant is classified as a Variant of Uncertain Significance.

This study involves interpretation of variants in research participants for the purpose of population health screening. Participant phenotype was not available at the time of variant classification. Additional details can be found in publication PMID: 35346344, PMCID: PMC8962531